The following is an entry in ClinVar:

ClinVar aggregate classification (germline): Uncertain significance (1 of 4 stars; one submission).

Conditions:
Cowden syndrome (CS). Also called: Cowden's disease; Cowden's syndrome; Cowden disease. Identifiers: Orphanet 201, MedGen C0018553, MONDO:0016063. Disease mechanism: gain of function.

Allele frequency attached by ClinVar (database versions not stated): gnomAD 0.00001 and 0.00002; gnomAD exomes 0.00002 and 0.00008; TOPMed 0.00006; ExAC 0.00007.
gnomAD v4.1: 26 of 1,609,596 alleles (0.0016%); highest among the groups gnomAD compares: Admixed American, 0.035%; no homozygotes.

Submission:

Labcorp Genetics (formerly Invitae), Labcorp
Classification: Uncertain significance for Cowden syndrome. Last evaluated: 2025-11-24. Review status: criteria provided, single submitter. Criteria: Invitae Variant Classification Sherloc (09022015). Collection method: clinical testing. Allele origin: germline.
Comment: This sequence change falls in intron 3 of the PIK3CA gene. It does not directly change the encoded amino acid sequence of the PIK3CA protein. It affects a nucleotide within the consensus splice site. This variant is present in population databases (rs200507422, gnomAD 0.06%), and has an allele count higher than expected for a pathogenic variant. This variant has not been reported in the literature in individuals affected with PIK3CA-related conditions. ClinVar contains an entry for this variant (Variation ID: 567701). Variants that disrupt the consensus splice site are a relatively common cause of aberrant splicing (PMID: 17576681, 9536098). Algorithms developed to predict the effect of sequence changes on RNA splicing suggest that this variant is not likely to affect RNA splicing. In summary, the available evidence is currently insufficient to determine the role of this variant in disease. Therefore, it has been classified as a Variant of Uncertain Significance.

Literature cited by the submitters: PubMed 17576681; PubMed 9536098.

NM_006218.4(PIK3CA):c.563-3T>C

Gene: PIK3CA (phosphatidylinositol-4,5-bisphosphate 3-kinase catalytic subunit alpha; plus strand). Cytogenetic location: 3q26.32.
Variant type: single nucleotide variant.
Coding change: c.563-3T>C on transcript NM_006218.4 (MANE Select); 3 bases into the intron before coding-DNA position 563, T replaced by C.
Molecular consequence: intron variant.
Genome position (GRCh38, 1-based): chr3:179,201,287, T>C. VCF-style: chr3-179201287-T-C. GRCh37 (hg19) VCF-style: chr3-178919075-T-C.
Other names: c.563-3T>C (LRG_310t1).
Identifiers: ClinVar variation 567701 (VCV000567701.11), dbSNP rs200507422, ClinGen allele CA2710572.